The following is an entry in ClinVar:

ClinVar aggregate classification (germline): Conflicting classifications of pathogenicity. Review status: criteria provided, conflicting classifications (1 of 4 stars). 2 submissions from 2 submitters: Uncertain significance (1); Likely benign (1). Last evaluated 2025-05-18.

Conditions:
NFKBIA-related disorder. Also called: NFKBIA-related condition.
Ectodermal dysplasia and immunodeficiency 2. Identifiers: Orphanet 238468, Orphanet 98813, MedGen C2677481, MONDO:0012806, OMIM 612132.

Allele frequency attached by ClinVar (database versions not stated): ExAC 0.00001; gnomAD exomes 0.00001; gnomAD 0.00003 and 0.00004; TOPMed 0.00005.

Submissions (2):

Labcorp Genetics (formerly Invitae), Labcorp
Classification: Likely benign for Ectodermal dysplasia and immunodeficiency 2. Last evaluated: 2025-05-18. Review status: criteria provided, single submitter. Criteria: Invitae Variant Classification Sherloc (09022015). Collection method: clinical testing. Allele origin: germline.

PreventionGenetics, part of Exact Sciences
Classification: Uncertain significance for NFKBIA-related condition. Last evaluated: 2023-06-02. Review status: criteria provided, single submitter. Criteria: ACMG Guidelines, 2015. Collection method: clinical testing. Allele origin: germline.
Comment: The NFKBIA c.885_896del12 variant is predicted to result in an in-frame deletion (p.Phe295_Thr299delinsLeu). To our knowledge, this variant has not been reported in the literature. This variant is reported in 0.0087% of alleles in individuals of Latino descent in gnomAD. At this time, the clinical significance of this variant is uncertain due to the absence of conclusive functional and genetic evidence.

NM_020529.3(NFKBIA):c.885_896del (p.Phe295_Thr299delinsLeu)

Gene: NFKBIA (NFKB inhibitor alpha; minus strand). Cytogenetic location: 14q13.2.
Variant type: Deletion.
Coding change: c.885_896del on transcript NM_020529.3 (MANE Select); coding-DNA positions 885 to 896, 12 bases deleted (CACGGAGTTCAC).
Protein change: p.Phe295_Thr299delinsLeu.
Molecular consequence: inframe indel.
Genome position (GRCh38, 1-based): chr14:35,402,404-35,402,415, GTGAACTCCGTG deleted on the plus strand (CACGGAGTTCAC on the coding strand, the reverse complement: NFKBIA is on the minus strand). VCF-style (leftmost placement, unchanged base first): chr14-35402403-TGTGAACTCCGTG-T. GRCh37 (hg19) VCF-style: chr14-35871609-TGTGAACTCCGTG-T.
Other names: c.885_896del12 (NM_020529.2).
Identifiers: ClinVar variation 1646820 (VCV001646820.9), dbSNP rs751513869, ClinGen allele CA7155340.